The following is an entry in ClinVar:

NM_000238.4(KCNH2):c.2945A>T (p.Asp982Val)

Gene: KCNH2 (potassium voltage-gated channel subfamily H member 2; minus strand). Cytogenetic location: 7q36.1.
Variant type: single nucleotide variant.
Coding change: c.2945A>T on transcript NM_000238.4 (MANE Select); coding-DNA position 2945, A replaced by T.
Protein change: p.Asp982Val; replaces aspartic acid 982 with valine.
Molecular consequence: missense variant. On other transcripts: non-coding transcript variant (2).
Genome position (GRCh38, 1-based): chr7:150,947,626, T>A on the plus strand (A>T on the coding strand, the complement: KCNH2 is on the minus strand). VCF-style: chr7-150947626-T-A. GRCh37 (hg19) VCF-style: chr7-150644714-T-A.
Other names: c.2657A>T, p.Asp886Val (NM_001406753.1); c.1925A>T, p.Asp642Val (NM_172057.3); short protein forms D642V, D886V, D982V.
Identifiers: ClinVar variation 3712766 (VCV003712766.2).

ClinVar aggregate classification (germline): Uncertain significance (1 of 4 stars; one submission).

Conditions:
Long QT syndrome (LQTS). Identifiers: MedGen C0023976, MeSH D008133, MONDO:0002442. Disease mechanism: loss of function. Inheritance: Various modes of inheritance.

gnomAD v4.1: 4 of 1,612,490 alleles (0.00025%); highest among the groups gnomAD compares: Non-Finnish European, 0.00025%; no homozygotes.

Submission:

Labcorp Genetics (formerly Invitae), Labcorp
Classification: Uncertain significance for Long QT syndrome. Last evaluated: 2024-03-28. Review status: criteria provided, single submitter. Criteria: Invitae Variant Classification Sherloc (09022015). Collection method: clinical testing. Allele origin: germline.
Comment: This sequence change replaces aspartic acid, which is acidic and polar, with valine, which is neutral and non-polar, at codon 982 of the KCNH2 protein (p.Asp982Val). This variant is not present in population databases (gnomAD no frequency). This variant has not been reported in the literature in individuals affected with KCNH2-related conditions. An algorithm developed to predict the effect of missense changes on protein structure and function (PolyPhen-2) suggests that this variant is likely to be disruptive. In summary, the available evidence is currently insufficient to determine the role of this variant in disease. Therefore, it has been classified as a Variant of Uncertain Significance.